The following is an entry in ClinVar:

ClinVar aggregate classification (germline): Uncertain significance. Review status: criteria provided, multiple submitters, no conflicts (2 of 4 stars). 3 submissions from 3 submitters: Uncertain significance (2). 1 of the submissions does not count toward it. Last evaluated 2024-07-10.

Conditions:
Retinal dystrophy. Also called: Inherited retinal dystrophy. Identifiers: Orphanet 71862, MedGen C0854723, MeSH D058499, MONDO:0019118, HP:0000556.

Allele frequency attached by ClinVar (database versions not stated): gnomAD exomes 0.00001; ExAC 0.00002; TOPMed 0.00002.
gnomAD v4.1: 34 of 1,613,440 alleles (0.0021%); highest among the groups gnomAD compares: Non-Finnish European, 0.0029%; no homozygotes.

Submissions (3):

Blueprint Genetics
Classification: Uncertain significance. Last evaluated: 2024-07-10. Review status: criteria provided, single submitter. Criteria: ACMG Guidelines, 2015. Collection method: clinical testing. Allele origin: germline.

Labcorp Genetics (formerly Invitae), Labcorp
Classification: Uncertain significance. Last evaluated: 2022-08-16. Review status: criteria provided, single submitter. Criteria: Invitae Variant Classification Sherloc (09022015). Collection method: clinical testing. Allele origin: germline.
Comment: In summary, the available evidence is currently insufficient to determine the role of this variant in disease. Therefore, it has been classified as a Variant of Uncertain Significance. ClinVar contains an entry for this variant (Variation ID: 860071). This variant has not been reported in the literature in individuals affected with SPP2-related conditions. This variant is present in population databases (rs750842592, gnomAD 0.0009%). This sequence change creates a premature translational stop signal (p.Tyr197*) in the SPP2 gene. It is expected to result in an absent or disrupted protein product. However, the current clinical and genetic evidence is not sufficient to establish whether loss-of-function variants in SPP2 cause disease.

Institute of Human Genetics, Univ. Regensburg, Univ. Regensburg
Classification: Uncertain significance for Retinal dystrophy. Last evaluated: 2019-01-01. Review status: no assertion criteria provided. Criteria: ACMG Guidelines, 2015. Collection method: clinical testing. Allele origin: germline. Affected: yes. Not counted in ClinVar's aggregate classification.

NM_006944.3(SPP2):c.591C>A (p.Tyr197Ter)

Gene: SPP2 (secreted phosphoprotein 2; plus strand). Cytogenetic location: 2q37.1.
Variant type: single nucleotide variant.
Coding change: c.591C>A on transcript NM_006944.3 (MANE Select); coding-DNA position 591, C replaced by A.
Protein change: p.Tyr197Ter; replaces tyrosine 197 with a stop codon.
Molecular consequence: nonsense.
Genome position (GRCh38, 1-based): chr2:234,069,968, C>A. VCF-style: chr2-234069968-C-A. GRCh37 (hg19) VCF-style: chr2-234978612-C-A.
Other names: short protein forms Y197*.
Identifiers: ClinVar variation 860071 (VCV000860071.11), dbSNP rs750842592, ClinGen allele CA2183274.